The following is an entry in ClinVar:

ClinVar aggregate classification (germline): Likely pathogenic (1 of 4 stars; one submission).

Conditions:
Primary ciliary dyskinesia 3. Identifiers: Orphanet 244, MedGen C1837618, MONDO:0012085, OMIM 608644.

Submission:

Myriad Genetics, Inc.
Classification: Likely pathogenic for Primary ciliary dyskinesia 3. Last evaluated: 2022-03-04. Review status: criteria provided, single submitter. Criteria: Myriad Women's Health Autosomal Recessive and X-Linked Classification Criteria (2021). Collection method: clinical testing. Allele origin: unknown.
Comment: NM_001369.2(DNAH5):c.2449_2452delCTTG(L817Tfs*6) is expected to be pathogenic in the context of DNAH5-related primary ciliary dyskinesia. This variant is predicted to lead to an abnormal or absent protein product due to the creation of a premature termination codon in DNAH5, a gene where loss-of-function variants are known to be pathogenic. Please note: this variant was assessed in the context of healthy population screening.

NM_001369.3(DNAH5):c.2449_2452del (p.Leu817fs)

Genes: DNAH5-AS1 (DNAH5 antisense RNA 1; plus strand), DNAH5 (dynein axonemal heavy chain 5; minus strand). Cytogenetic location: 5p15.2.
Variant type: Deletion.
Coding change: c.2449_2452del on transcript NM_001369.3 (MANE Select); coding-DNA positions 2449 to 2452, 4 bases deleted (CTTG; older notation c.2449_2452delCTTG).
Protein change: p.Leu817fs; shifts the reading frame from leucine 817.
Molecular consequence: frameshift variant.
Genome position (GRCh38, 1-based): chr5:13,891,101-13,891,104, CAAG deleted on the plus strand (CTTG on the coding strand, the reverse complement: DNAH5 is on the minus strand); deleting any 4 consecutive bases within chr5:13,891,101-13,891,106 gives the same sequence; the c. name uses the placement nearest the transcript's 3' end. VCF-style (leftmost placement, unchanged base first): chr5-13891100-TCAAG-T. GRCh37 (hg19) VCF-style: chr5-13891209-TCAAG-T.
Other names: short protein forms L817fs.
Identifiers: ClinVar variation 1724982 (VCV001724982.2), dbSNP rs2547057655, ClinGen allele CA2580072174.
Genomic context (GRCh38, chr5:13,891,100, plus strand): 5'-GTGCTGCTCATTTCTTCTAGAATGGCATCAATGCGGAACTCAATCAAATCATTGACCCTG[TCAAG>T]CAGCAACTCCAGGTCCTCTTTGGGAAAAAATAAAAGTAAATAAAAGAGATTAGGTAAAGC-3'